The following is an entry in ClinVar:

NM_000218.3(KCNQ1):c.1394-21416C>A

Genes: KCNQ1 (potassium voltage-gated channel subfamily Q member 1; plus strand), KCNQ1OT1 (KCNQ1 opposite strand/antisense transcript 1; minus strand). Cytogenetic location: 11p15.5.
Variant type: single nucleotide variant.
Coding change: c.1394-21416C>A on transcript NM_000218.3 (MANE Select); 21416 bases into the intron before coding-DNA position 1394, C replaced by A.
Molecular consequence: intron variant. On other transcripts: non-coding transcript variant (1).
Genome position (GRCh38, 1-based): chr11:2,640,545, C>A. VCF-style: chr11-2640545-C-A. GRCh37 (hg19) VCF-style: chr11-2661775-C-A.
Other names: c.1124-21416C>A (NM_001406837.1); c.1298-21416C>A (NM_001406836.1); c.854-21416C>A (NM_001406838.1); c.1013-21416C>A (NM_181798.2).
Identifiers: ClinVar variation 3771759 (VCV003771759.13).
Genomic context (GRCh38, chr11:2,640,545, plus strand): 5'-ATTGTTGCCCAGGCTGGTCTTGAATTCCTGGGCTCAAGCGATCCTTCTGCCTTGGCCCCC[C>A]AAAGCACTGGGATTTCCTTTTTTTTTTTTTTTTGACCGATACATAATACTTATGGGGTAC-3'

ClinVar aggregate classification (germline): Benign (1 of 4 stars; one submission).

gnomAD v4.1: 59 of 389,318 alleles (0.015%); highest among the groups gnomAD compares: African/African-American, 0.13%; no homozygotes.

Submission:

CeGaT Center for Human Genetics Tuebingen
Classification: Benign. Last evaluated: 2025-01-01. Review status: criteria provided, single submitter. Criteria: CeGaT Center For Human Genetics Tuebingen Variant Classification Criteria Version 2. Collection method: clinical testing. Allele origin: germline. Affected: yes. Observed: 1 variant allele.
Comment: KCNQ1OT1: BS1, BS2